The following is an entry in ClinVar:

ClinVar aggregate classification (germline): Pathogenic. Review status: criteria provided, single submitter (1 of 4 stars). 2 submissions from 2 submitters: Pathogenic (1). 1 of the submissions does not count toward it. Last evaluated 2023-10-16.

Conditions:
Ethylmalonic encephalopathy (EE). Also called: EPEMA syndrome; Encephalopathy, petechiae, and ethylmalonic aciduria; Syndrome of encephalopathy, petechiae, and ethylmalonic aciduria. Identifiers: Orphanet 51188, MedGen C1865349, MONDO:0011229, OMIM 602473. Disease mechanism: loss of function.

Submissions (2):

Labcorp Genetics (formerly Invitae), Labcorp
Classification: Pathogenic for Ethylmalonic encephalopathy. Last evaluated: 2023-10-16. Review status: criteria provided, single submitter. Criteria: Invitae Variant Classification Sherloc (09022015). Collection method: clinical testing. Allele origin: germline.
Comment: This sequence change creates a premature translational stop signal (p.Gln12*) in the ETHE1 gene. It is expected to result in an absent or disrupted protein product. Loss-of-function variants in ETHE1 are known to be pathogenic (PMID: 14732903, 19136963). This variant is not present in population databases (gnomAD no frequency). This premature translational stop signal has been observed in individual(s) with ethylmalonic encephalopathy (PMID: 16183799). ClinVar contains an entry for this variant (Variation ID: 504490). For these reasons, this variant has been classified as Pathogenic.

GeneReviews
No classification provided. Condition: Ethylmalonic encephalopathy. Review status: no classification provided. Collection method: literature only. Allele origin: germline. Not counted in ClinVar's aggregate classification.

Literature cited by the submitters: PubMed 14732903 (cited by Labcorp Genetics (formerly Invitae), Labcorp); PubMed 19136963 (cited by Labcorp Genetics (formerly Invitae), Labcorp); PubMed 16183799 (cited by Labcorp Genetics (formerly Invitae), Labcorp); NCBI Bookshelf NBK453432 (cited by GeneReviews); PubMed 28933811 (cited by GeneReviews).

NM_014297.5(ETHE1):c.34C>T (p.Gln12Ter)

Gene: ETHE1 (ETHE1 persulfide dioxygenase; minus strand). Cytogenetic location: 19q13.31.
Variant type: single nucleotide variant.
Coding change: c.34C>T on transcript NM_014297.5 (MANE Select); coding-DNA position 34, C replaced by T.
Protein change: p.Gln12Ter; replaces glutamine 12 with a stop codon.
Molecular consequence: nonsense. On other transcripts: 5 prime UTR variant (1).
Genome position (GRCh38, 1-based): chr19:43,527,144, G>A on the plus strand (C>T on the coding strand, the complement: ETHE1 is on the minus strand). VCF-style: chr19-43527144-G-A. GRCh37 (hg19) VCF-style: chr19-44031296-G-A.
Other names: c.34C>T, p.Gln12Ter (NM_001320867.2, NM_001320869.2); c.-187C>T (NM_001320868.2); short protein forms Q12*.
Identifiers: ClinVar variation 504490 (VCV000504490.6), dbSNP rs1555765701, ClinGen allele CA406182308.